The following is an entry in ClinVar:

ClinVar aggregate classification (germline): Uncertain significance (1 of 4 stars; one submission).

Submission:

Labcorp Genetics (formerly Invitae), Labcorp
Classification: Uncertain significance. Last evaluated: 2026-02-01. Review status: criteria provided, single submitter. Criteria: Invitae Variant Classification Sherloc (09022015). Collection method: clinical testing. Allele origin: germline.
Comment: This sequence change replaces aspartic acid, which is acidic and polar, with glutamic acid, which is acidic and polar, at codon 1510 of the ABCA12 protein (p.Asp1510Glu). This variant is not present in population databases (gnomAD no frequency). This variant has not been reported in the literature in individuals affected with ABCA12-related conditions. Invitae Evidence Modeling of protein sequence and biophysical properties (such as structural, functional, and spatial information, amino acid conservation, physicochemical variation, residue mobility, and thermodynamic stability) indicates that this missense variant is expected to disrupt ABCA12 protein function with a positive predictive value of 80%. In summary, the available evidence is currently insufficient to determine the role of this variant in disease. Therefore, it has been classified as a Variant of Uncertain Significance.

NM_173076.3(ABCA12):c.4530C>G (p.Asp1510Glu)

Gene: ABCA12 (ATP binding cassette subfamily A member 12; minus strand). Cytogenetic location: 2q35.
Variant type: single nucleotide variant.
Coding change: c.4530C>G on transcript NM_173076.3 (MANE Select); coding-DNA position 4530, C replaced by G.
Protein change: p.Asp1510Glu; replaces aspartic acid 1510 with glutamic acid.
Molecular consequence: missense variant. On other transcripts: non-coding transcript variant (1).
Genome position (GRCh38, 1-based): chr2:214,982,236, G>C on the plus strand (C>G on the coding strand, the complement: ABCA12 is on the minus strand). VCF-style: chr2-214982236-G-C. GRCh37 (hg19) VCF-style: chr2-215846960-G-C.
Other names: c.3576C>G, p.Asp1192Glu (NM_015657.4); short protein forms D1510E, D1192E.
Identifiers: ClinVar variation 4740589 (VCV004740589.1).